The following is an entry in ClinVar:

NM_006904.7(PRKDC):c.3844C>G (p.Leu1282Val)

Gene: PRKDC (protein kinase, DNA-activated, catalytic subunit; minus strand). Cytogenetic location: 8q11.21.
Variant type: single nucleotide variant.
Coding change: c.3844C>G on transcript NM_006904.7 (MANE Select); coding-DNA position 3844, C replaced by G.
Protein change: p.Leu1282Val; replaces leucine 1282 with valine.
Molecular consequence: missense variant.
Genome position (GRCh38, 1-based): chr8:47,893,142, G>C on the plus strand (C>G on the coding strand, the complement: PRKDC is on the minus strand). VCF-style: chr8-47893142-G-C. GRCh37 (hg19) VCF-style: chr8-48805703-G-C.
Other names: c.3844C>G, p.Leu1282Val (NM_001081640.2); short protein forms L1282V.
Identifiers: ClinVar variation 3016105 (VCV003016105.3), dbSNP rs926072607, ClinGen allele CA176152450.

ClinVar aggregate classification (germline): Uncertain significance (1 of 4 stars; one submission).

Conditions:
Severe combined immunodeficiency due to DNA-PKcs deficiency. Also called: IMMUNODEFICIENCY 26 WITH NEUROLOGIC ABNORMALITIES; Immunodeficiency 26 with or without neurologic abnormalities. Identifiers: Orphanet 317425, MedGen C4014833, MONDO:0014423, OMIM 615966.

gnomAD v4.1: 3 of 1,596,744 alleles (0.00019%); highest among the groups gnomAD compares: African/African-American, 0.004%; no homozygotes.

Submission:

Labcorp Genetics (formerly Invitae), Labcorp
Classification: Uncertain significance for Severe combined immunodeficiency due to DNA-PKcs deficiency. Last evaluated: 2023-01-31. Review status: criteria provided, single submitter. Criteria: Invitae Variant Classification Sherloc (09022015). Collection method: clinical testing. Allele origin: germline.
Comment: This sequence change replaces leucine, which is neutral and non-polar, with valine, which is neutral and non-polar, at codon 1282 of the PRKDC protein (p.Leu1282Val). This variant is not present in population databases (gnomAD no frequency). This variant has not been reported in the literature in individuals affected with PRKDC-related conditions. Advanced modeling of protein sequence and biophysical properties (such as structural, functional, and spatial information, amino acid conservation, physicochemical variation, residue mobility, and thermodynamic stability) performed at Invitae indicates that this missense variant is expected to disrupt PRKDC protein function. In summary, the available evidence is currently insufficient to determine the role of this variant in disease. Therefore, it has been classified as a Variant of Uncertain Significance.